The following is an entry in ClinVar:

ClinVar aggregate classification (germline): Likely pathogenic (1 of 4 stars; one submission).

Conditions:
Hypertrophic cardiomyopathy 26. Also called: Cardiomyopathy, familial hypertrophic, 26. Identifiers: Orphanet 75249, MedGen C4310749, MONDO:0014883, OMIM 617047.

Submission:

3billion
Classification: Likely pathogenic for Hypertrophic cardiomyopathy 26. Last evaluated: 2023-10-25. Review status: criteria provided, single submitter. Criteria: ACMG Guidelines, 2015. Collection method: clinical testing. Allele origin: germline. Affected: yes.
Comment: The variant is not observed in the gnomAD v2.1.1 dataset. Predicted Consequence/Location: Frameshift: predicted to result in a loss or disruption of normal protein function through nonsense-mediated decay (NMD) or protein truncation. Multiple pathogenic variants are reported downstream of the variant. Therefore, this variant is classified as Likely pathogenic according to the recommendation of ACMG/AMP guideline.

NM_001458.5(FLNC):c.5866_5867del (p.Gln1956fs)

Genes: FLNC (filamin C; plus strand), FLNC-AS1 (FLNC antisense RNA 1; minus strand). Cytogenetic location: 7q32.1.
Variant type: Microsatellite.
Coding change: c.5866_5867del on transcript NM_001458.5 (MANE Select); coding-DNA positions 5866 to 5867, 2 bases deleted (CA; older notation c.5866_5867delCA).
Protein change: p.Gln1956fs; shifts the reading frame from glutamine 1956.
Molecular consequence: frameshift variant.
Genome position (GRCh38, 1-based): chr7:128,852,614-128,852,615, CA deleted; deleting any 2 consecutive bases within chr7:128,852,612-128,852,615 gives the same sequence; the c. name uses the placement nearest the transcript's 3' end. VCF-style (leftmost placement, unchanged base first): chr7-128852611-TCA-T. GRCh37 (hg19) VCF-style: chr7-128492665-TCA-T.
Other names: c.5767_5768del, p.Gln1923fs (NM_001127487.2); short protein forms Q1923fs, Q1956fs.
Identifiers: ClinVar variation 3775756 (VCV003775756.1).